The following is an entry in ClinVar:

NM_173689.7(CRB2):c.775G>C (p.Glu259Gln)

Gene: CRB2 (crumbs cell polarity complex component 2; plus strand). Cytogenetic location: 9q33.3.
Variant type: single nucleotide variant.
Coding change: c.775G>C on transcript NM_173689.7 (MANE Select); coding-DNA position 775, G replaced by C.
Protein change: p.Glu259Gln; replaces glutamic acid 259 with glutamine.
Molecular consequence: missense variant.
Genome position (GRCh38, 1-based): chr9:123,367,192, G>C. VCF-style: chr9-123367192-G-C. GRCh37 (hg19) VCF-style: chr9-126129471-G-C.
Other names: c.775G>C (NM_173689.6, NM_173689.5); short protein forms E259Q.
Identifiers: ClinVar variation 1396114 (VCV001396114.10), dbSNP rs373930614, ClinGen allele CA5231796.
Genomic context (GRCh38, chr9:123,367,192, plus strand): 5'-AACCCCGTGAGACCTGATGTCCGCGTGTGTGTGCCCCCAGGCTACAGCGGCGAGCTGTGC[G>C]AGGTGGACGAGGACGAGTGTGCATCGAGCCCCTGCCAGCATGGGGGCCGATGCCTGCAGC-3'
Protein context (NP_775960.4, residues 249-269): CWPGYSGELC[Glu259Gln]VDEDECASSP

ClinVar aggregate classification (germline): Uncertain significance. Review status: criteria provided, multiple submitters, no conflicts (2 of 4 stars). 3 submissions from 3 submitters: Uncertain significance (3). Last evaluated 2025-06-13.

Conditions:
Inborn genetic diseases. Identifiers: MedGen C0950123, MeSH D030342.

Allele frequency attached by ClinVar (database versions not stated): ESP Exome Variant Server 0.00008.
gnomAD v4.1: 37 of 1,600,170 alleles (0.0023%); highest among the groups gnomAD compares: Non-Finnish European, 0.003%; no homozygotes.

Submissions (3):

GeneDx
Classification: Uncertain significance. Last evaluated: 2025-06-13. Review status: criteria provided, single submitter. Criteria: GeneDx Variant Classification Process June 2021. Collection method: clinical testing. Allele origin: germline. Affected: yes.
Comment: In silico analysis supports that this missense variant has a deleterious effect on protein structure/function; Has not been previously published as pathogenic or benign to our knowledge

Ambry Genetics
Classification: Uncertain significance for Inborn genetic diseases. Last evaluated: 2021-09-17. Review status: criteria provided, single submitter. Criteria: Ambry Variant Classification Scheme 2023. Collection method: clinical testing. Allele origin: germline.

Labcorp Genetics (formerly Invitae), Labcorp
Classification: Uncertain significance. Last evaluated: 2021-06-16. Review status: criteria provided, single submitter. Criteria: Invitae Variant Classification Sherloc (09022015). Collection method: clinical testing. Allele origin: germline.
Comment: This sequence change replaces glutamic acid with glutamine at codon 259 of the CRB2 protein (p.Glu259Gln). The glutamic acid residue is highly conserved and there is a small physicochemical difference between glutamic acid and glutamine. This variant is present in population databases (rs373930614, ExAC 0.003%). This variant has not been reported in the literature in individuals with CRB2-related conditions. Advanced modeling of protein sequence and biophysical properties (such as structural, functional, and spatial information, amino acid conservation, physicochemical variation, residue mobility, and thermodynamic stability) performed at Invitae indicates that this missense variant is not expected to disrupt CRB2 protein function. In summary, the available evidence is currently insufficient to determine the role of this variant in disease. Therefore, it has been classified as a Variant of Uncertain Significance.